The following is an entry in ClinVar:

ClinVar aggregate classification (germline): Uncertain significance. Review status: criteria provided, multiple submitters, no conflicts (2 of 4 stars). 8 submissions from 8 submitters: Uncertain significance (8). Last evaluated 2026-02-04.

Conditions:
Inborn genetic diseases. Identifiers: MedGen C0950123, MeSH D030342.
SLC34A3-related disorder. Also called: SLC34A3-related condition.
Autosomal recessive hypophosphatemic bone disease (HHRH). Also called: HYPERCALCIURIC RICKETS; Hypophosphatemic rickets with hypercalciuria. Identifiers: Orphanet 157215, MedGen C1853271, MONDO:0009431, OMIM 241530.

Allele frequency attached by ClinVar (database versions not stated): ExAC 0.00010; gnomAD exomes 0.00012; TOPMed 0.00021; gnomAD 0.00027; ESP Exome Variant Server 0.00038.
gnomAD v4.1: 615 of 1,612,626 alleles (0.038%); highest among the groups gnomAD compares: Non-Finnish European, 0.047%; no homozygotes.

Submissions (8):

PreventionGenetics, part of Exact Sciences
Classification: Uncertain significance for SLC34A3-related condition. Last evaluated: 2026-02-04. Review status: criteria provided, single submitter. Criteria: ACMG Guidelines, 2015. Collection method: clinical testing. Allele origin: germline.
Comment: The SLC34A3 c.799A>C variant is predicted to result in the amino acid substitution p.Thr267Pro. This variant has been reported in two individuals in a cohort study on hypophosphataemia, X-linked but no clinical detail was provided (Table S2. Rush et al. 2022. PubMed ID: 34633109). This variant is reported in 0.026% of alleles in individuals of European (Non-Finnish) descent in gnomAD. At this time, the clinical significance of this variant is uncertain due to the absence of conclusive functional and genetic evidence.

Women's Health and Genetics/Laboratory Corporation of America, LabCorp
Classification: Uncertain significance. Last evaluated: 2025-01-22. Review status: criteria provided, single submitter. Criteria: LabCorp Variant Classification Summary - May 2015. Collection method: clinical testing. Allele origin: germline.
Comment: Variant summary: SLC34A3 c.799A>C (p.Thr267Pro) results in a non-conservative amino acid change in the encoded protein sequence. Four of five in-silico tools predict a benign effect of the variant on protein function. The variant allele was found at a frequency of 0.00012 in 250440 control chromosomes (gnomAD). This frequency is not significantly higher than estimated for a pathogenic variant in SLC34A3 causing Hereditary Hypophosphatemic Rickets With Hypercalciuria (0.00012 vs 0.0018), allowing no conclusion about variant significance. c.799A>C has been reported in the literature in individuals affected with Hypophosphataemia (Rush_2021). These reports do not provide unequivocal conclusions about association of the variant with Hereditary Hypophosphatemic Rickets With Hypercalciuria. To our knowledge, no experimental evidence demonstrating an impact on protein function has been reported. The following publication have been ascertained in the context of this evaluation (PMID: 34633109). ClinVar contains an entry for this variant (Variation ID: 969647). Based on the evidence outlined above, the variant was classified as uncertain significance.

Blueprint Genetics
Classification: Uncertain significance. Last evaluated: 2024-11-06. Review status: criteria provided, single submitter. Criteria: ACMG Guidelines, 2015. Collection method: clinical testing. Allele origin: germline.

Fulgent Genetics
Classification: Uncertain significance for Autosomal recessive hypophosphatemic bone disease. Last evaluated: 2024-03-28. Review status: criteria provided, single submitter. Criteria: ACMG Guidelines, 2015. Collection method: clinical testing. Allele origin: germline.

Ambry Genetics
Classification: Uncertain significance for Inborn genetic diseases. Last evaluated: 2023-04-05. Review status: criteria provided, single submitter. Criteria: Ambry Variant Classification Scheme 2023. Collection method: clinical testing. Allele origin: germline.

GeneDx
Classification: Uncertain significance. Last evaluated: 2022-02-10. Review status: criteria provided, single submitter. Criteria: GeneDx Variant Classification Process June 2021. Collection method: clinical testing. Allele origin: germline. Affected: yes.
Comment: In silico analysis supports that this missense variant does not alter protein structure/function; Has not been previously published as pathogenic or benign to our knowledge

Labcorp Genetics (formerly Invitae), Labcorp
Classification: Uncertain significance. Last evaluated: 2022-01-06. Review status: criteria provided, single submitter. Criteria: Invitae Variant Classification Sherloc (09022015). Collection method: clinical testing. Allele origin: germline.
Comment: This sequence change replaces threonine, which is neutral and polar, with proline, which is neutral and non-polar, at codon 267 of the SLC34A3 protein (p.Thr267Pro). This variant is present in population databases (rs145899150, gnomAD 0.02%). This variant has not been reported in the literature in individuals affected with SLC34A3-related conditions. ClinVar contains an entry for this variant (Variation ID: 969647). Algorithms developed to predict the effect of missense changes on protein structure and function are either unavailable or do not agree on the potential impact of this missense change (SIFT: "Tolerated"; PolyPhen-2: "Possibly Damaging"; Align-GVGD: "Class C0"). In summary, the available evidence is currently insufficient to determine the role of this variant in disease. Therefore, it has been classified as a Variant of Uncertain Significance.

Revvity Omics, Revvity
Classification: Uncertain significance for Autosomal recessive hypophosphatemic bone disease. Last evaluated: 2021-09-16. Review status: criteria provided, single submitter. Criteria: ACMG Guidelines, 2015. Collection method: clinical testing. Allele origin: germline.

Literature cited by the submitters: PubMed 34633109 (cited by Women's Health and Genetics/Laboratory Corporation of America, LabCorp).

NM_001177316.2(SLC34A3):c.799A>C (p.Thr267Pro)

Gene: SLC34A3 (solute carrier family 34 member 3; plus strand). Cytogenetic location: 9q34.3.
Variant type: single nucleotide variant.
Coding change: c.799A>C on transcript NM_001177316.2 (MANE Select); coding-DNA position 799, A replaced by C.
Protein change: p.Thr267Pro; replaces threonine 267 with proline.
Molecular consequence: missense variant.
Genome position (GRCh38, 1-based): chr9:137,233,675, A>C. VCF-style: chr9-137233675-A-C. GRCh37 (hg19) VCF-style: chr9-140128127-A-C.
Other names: c.799A>C, p.Thr267Pro (NM_001177317.2, NM_080877.3); short protein forms T267P.
Identifiers: ClinVar variation 969647 (VCV000969647.17), dbSNP rs145899150, ClinGen allele CA5364599.
Genomic context (GRCh38, chr9:137,233,675, plus strand): 5'-GACCCCTCTGGCCCCCAGTTGGACTCCGACATGATCATGAGCAGTGCCACAGGCAACGCC[A>C]CTAACAGCAGTCTCATTAAGCACTGGTGCGGCACCACGGGGCAGCCGGTGAGGCACCCAA-3'
Protein context (NP_001170787.2, residues 257-277): MIMSSATGNA[Thr267Pro]NSSLIKHWCG